The following is an entry in ClinVar:

ClinVar aggregate classification (germline): Uncertain significance (1 of 4 stars; one submission).

gnomAD v4.1: 1 of 1,611,586 alleles (0.000062%); highest among the groups gnomAD compares: African/African-American, 0.0013%; no homozygotes.

Submission:

Ambry Genetics
Classification: Uncertain significance. Last evaluated: 2026-09-04. Review status: criteria provided, single submitter. Criteria: Ambry Variant Classification Scheme 2023. Collection method: clinical testing. Allele origin: germline.
Comment: The p.V1300L variant (also known as c.3898G>C), located in coding exon 17 of the WNK2 gene, results from a G to C substitution at nucleotide position 3898. The valine at codon 1300 is replaced by leucine, an amino acid with highly similar properties. This amino acid position is conserved. In addition, this alteration is predicted to be tolerated by in silico analysis. Based on the available evidence, the clinical significance of this variant remains unclear.

NM_006648.4(WNK2):c.3898G>C (p.Val1300Leu)

Gene: WNK2 (WNK lysine deficient protein kinase 2; plus strand). Cytogenetic location: 9q22.31.
Variant type: single nucleotide variant.
Coding change: c.3898G>C on transcript NM_006648.4 (MANE Select); coding-DNA position 3898, G replaced by C.
Protein change: p.Val1300Leu; replaces valine 1300 with leucine.
Molecular consequence: missense variant.
Genome position (GRCh38, 1-based): chr9:93,268,050, G>C. VCF-style: chr9-93268050-G-C. GRCh37 (hg19) VCF-style: chr9-96030332-G-C.
Other names: c.3898G>C, p.Val1300Leu (NM_001282394.3); short protein forms V1300L.
Identifiers: ClinVar variation 5031968 (VCV005031968.1).